The following is an entry in ClinVar:

NM_004565.3(PEX14):c.585+4C>A

Genes: PEX14 (peroxisomal biogenesis factor 14; plus strand), LOC126805616 (CDK7 strongly-dependent group 2 enhancer GRCh37_chr1:10683990-10685189; plus strand). Cytogenetic location: 1p36.22.
Variant type: single nucleotide variant.
Coding change: c.585+4C>A on transcript NM_004565.3 (MANE Select); 4 bases into the intron after coding-DNA position 585, C replaced by A.
Molecular consequence: intron variant.
Genome position (GRCh38, 1-based): chr1:10,624,441, C>A. VCF-style: chr1-10624441-C-A. GRCh37 (hg19) VCF-style: chr1-10684498-C-A.
Identifiers: ClinVar variation 960358 (VCV000960358.10), dbSNP rs1283396816, ClinGen allele CA885073624.

ClinVar aggregate classification (germline): Uncertain significance (1 of 4 stars; one submission).

Conditions:
Peroxisome biogenesis disorder, complementation group K (CGK). Identifiers: MedGen C1866257, MONDO:0800365.

Allele frequency attached by ClinVar (database versions not stated): TOPMed 0.00002.

Submission:

Labcorp Genetics (formerly Invitae), Labcorp
Classification: Uncertain significance for Peroxisome biogenesis disorder, complementation group K. Last evaluated: 2022-07-03. Review status: criteria provided, single submitter. Criteria: Invitae Variant Classification Sherloc (09022015). Collection method: clinical testing. Allele origin: germline.
Comment: Variants that disrupt the consensus splice site are a relatively common cause of aberrant splicing (PMID: 17576681, 9536098). Algorithms developed to predict the effect of sequence changes on RNA splicing suggest that this variant may disrupt the consensus splice site. In summary, the available evidence is currently insufficient to determine the role of this variant in disease. Therefore, it has been classified as a Variant of Uncertain Significance. ClinVar contains an entry for this variant (Variation ID: 960358). This variant has not been reported in the literature in individuals affected with PEX14-related conditions. This variant is not present in population databases (gnomAD no frequency). This sequence change falls in intron 7 of the PEX14 gene. It does not directly change the encoded amino acid sequence of the PEX14 protein. It affects a nucleotide within the consensus splice site.

Literature cited by the submitters: PubMed 17576681; PubMed 9536098.